The following is an entry in ClinVar:

ClinVar aggregate classification (germline): Uncertain significance (1 of 4 stars; one submission).

Conditions:
Generalized epilepsy with febrile seizures plus, type 7 (GEFSP7). Also called: GEFS+, TYPE 7. Identifiers: Orphanet 36387, MedGen C2751778, MONDO:0013470, OMIM 613863.
Neuropathy, hereditary sensory and autonomic, type 2A (HSAN2A). Also called: ACROOSTEOLYSIS, GIACCAI TYPE; ACROOSTEOLYSIS, NEUROGENIC; HSAN IIA; WNK1-Related HSAN2 (HSAN2A); MORVAN DISEASE; NEUROPATHY, CONGENITAL SENSORY. Identifiers: Orphanet 970, MedGen C2752089, MONDO:0024309, OMIM 201300.

gnomAD v4.1: 5 of 1,612,626 alleles (0.00031%); highest among the groups gnomAD compares: Non-Finnish European, 0.00034%; no homozygotes.

Submission:

Labcorp Genetics (formerly Invitae), Labcorp
Classification: Uncertain significance for Neuropathy, hereditary sensory and autonomic, type 2A; Generalized epilepsy with febrile seizures plus, type 7. Last evaluated: 2019-10-16. Review status: criteria provided, single submitter. Criteria: Invitae Variant Classification Sherloc (09022015). Collection method: clinical testing. Allele origin: germline.
Comment: This variant has not been reported in the literature in individuals with SCN9A-related conditions. This sequence change replaces aspartic acid with tyrosine at codon 1138 of the SCN9A protein (p.Asp1138Tyr). The aspartic acid residue is highly conserved and there is a large physicochemical difference between aspartic acid and tyrosine. This variant is not present in population databases (ExAC no frequency). Algorithms developed to predict the effect of missense changes on protein structure and function are either unavailable or do not agree on the potential impact of this missense change (SIFT: "Deleterious"; PolyPhen-2: "Possibly Damaging"; Align-GVGD: "Class C0"). In summary, the available evidence is currently insufficient to determine the role of this variant in disease. Therefore, it has been classified as a Variant of Uncertain Significance.

NM_001365536.1(SCN9A):c.3445G>T (p.Asp1149Tyr)

Genes: SCN9A (sodium voltage-gated channel alpha subunit 9; minus strand), SCN1A-AS1 (SCN1A and SCN9A antisense RNA 1; plus strand). Cytogenetic location: 2q24.3.
Variant type: single nucleotide variant.
Coding change: c.3445G>T on transcript NM_001365536.1 (MANE Select); coding-DNA position 3445, G replaced by T.
Protein change: p.Asp1149Tyr; replaces aspartic acid 1149 with tyrosine.
Molecular consequence: missense variant. On other transcripts: non-coding transcript variant (1).
Genome position (GRCh38, 1-based): chr2:166,251,792, C>A on the plus strand (G>T on the coding strand, the complement: SCN9A is on the minus strand). VCF-style: chr2-166251792-C-A. GRCh37 (hg19) VCF-style: chr2-167108302-C-A.
Other names: c.3412G>T, p.Asp1138Tyr (NM_002977.4); short protein forms D1138Y, D1149Y.
Identifiers: ClinVar variation 933509 (VCV000933509.10), dbSNP rs199859971, ClinGen allele CA349071851.